The following is an entry in ClinVar:

NM_001040108.2(MLH3):c.2269T>A (p.Phe757Ile)

Gene: MLH3 (mutL homolog 3; minus strand). Cytogenetic location: 14q24.3.
Variant type: single nucleotide variant.
Coding change: c.2269T>A on transcript NM_001040108.2 (MANE Select); coding-DNA position 2269, T replaced by A.
Protein change: p.Phe757Ile; replaces phenylalanine 757 with isoleucine.
Molecular consequence: missense variant.
Genome position (GRCh38, 1-based): chr14:75,047,387, A>T on the plus strand (T>A on the coding strand, the complement: MLH3 is on the minus strand). VCF-style: chr14-75047387-A-T. GRCh37 (hg19) VCF-style: chr14-75514090-A-T.
Other names: c.2269T>A, p.Phe757Ile (NM_014381.3); short protein forms F757I.
Identifiers: ClinVar variation 4841836 (VCV004841836.1).
Genomic context (GRCh38, chr14:75,047,387, plus strand): 5'-CATTACTTTCCTCTACTTCTGTATCCAGAGGATTTTCAACCTTCCCATATTGCCTCTTAA[A>T]CTTCTCTAAAGATCCTAGCTGTGAACTCAAGCTTAGCTTCTTACGGACGATTGGTTTGGA-3'
Protein context (NP_001035197.1, residues 747-767): LSSQLGSLEK[Phe757Ile]KRQYGKVENP

ClinVar aggregate classification (germline): Uncertain significance (1 of 4 stars; one submission).

Submission:

Ambry Genetics
Classification: Uncertain significance. Last evaluated: 2025-12-28. Review status: criteria provided, single submitter. Criteria: Ambry Variant Classification Scheme 2023. Collection method: clinical testing. Allele origin: germline.
Comment: The p.F757I variant (also known as c.2269T>A), located in coding exon 1 of the MLH3 gene, results from a T to A substitution at nucleotide position 2269. The phenylalanine at codon 757 is replaced by isoleucine, an amino acid with highly similar properties. This amino acid position is conserved. In addition, this alteration is predicted to be tolerated by in silico analysis. Based on the available evidence, the clinical significance of this variant remains unclear.